The following is an entry in ClinVar:

ClinVar aggregate classification (germline): Uncertain significance (1 of 4 stars; one submission).

Allele frequency attached by ClinVar (database versions not stated): gnomAD 0.00001; TOPMed 0.00001.
gnomAD v4.1: 3 of 1,613,676 alleles (0.00019%); highest among the groups gnomAD compares: Non-Finnish European, 0.00025%; no homozygotes.

Submission:

Labcorp Genetics (formerly Invitae), Labcorp
Classification: Uncertain significance. Last evaluated: 2022-08-19. Review status: criteria provided, single submitter. Criteria: Invitae Variant Classification Sherloc (09022015). Collection method: clinical testing. Allele origin: germline.
Comment: This sequence change replaces alanine, which is neutral and non-polar, with glycine, which is neutral and non-polar, at codon 315 of the GRIP1 protein (p.Ala315Gly). This variant is present in population databases (no rsID available, gnomAD 0.0009%). This variant has not been reported in the literature in individuals affected with GRIP1-related conditions. Algorithms developed to predict the effect of missense changes on protein structure and function are either unavailable or do not agree on the potential impact of this missense change (SIFT: "Deleterious"; PolyPhen-2: "Benign"; Align-GVGD: "Class C0"). In summary, the available evidence is currently insufficient to determine the role of this variant in disease. Therefore, it has been classified as a Variant of Uncertain Significance.

NM_001366722.1(GRIP1):c.944C>G (p.Ala315Gly)

Gene: GRIP1 (glutamate receptor interacting protein 1; minus strand). Cytogenetic location: 12q14.3.
Variant type: single nucleotide variant.
Coding change: c.944C>G on transcript NM_001366722.1 (MANE Select); coding-DNA position 944, C replaced by G.
Protein change: p.Ala315Gly; replaces alanine 315 with glycine.
Molecular consequence: missense variant.
Genome position (GRCh38, 1-based): chr12:66,463,022, G>C on the plus strand (C>G on the coding strand, the complement: GRIP1 is on the minus strand). VCF-style: chr12-66463022-G-C. GRCh37 (hg19) VCF-style: chr12-66856802-G-C.
Other names: c.944C>G, p.Ala315Gly (NM_001178074.2, NM_001379346.1, NM_021150.4); c.1022C>G, p.Ala341Gly (NM_001366723.1, NM_001366724.1, NM_001379345.1 and 2 more transcripts); c.947C>G, p.Ala316Gly (NM_001379349.1, NM_001379351.1); short protein forms A316G, A341G, A315G.
Identifiers: ClinVar variation 1978702 (VCV001978702.1), dbSNP rs1254862169, ClinGen allele CA385629839.